The following is an entry in ClinVar:

NM_182961.4(SYNE1):c.7713-8T>G

Gene: SYNE1 (spectrin repeat containing nuclear envelope protein 1; minus strand). Cytogenetic location: 6q25.2.
Variant type: single nucleotide variant.
Coding change: c.7713-8T>G on transcript NM_182961.4 (MANE Select); 8 bases into the intron before coding-DNA position 7713, T replaced by G.
Molecular consequence: intron variant.
Genome position (GRCh38, 1-based): chr6:152,391,576, A>C on the plus strand (T>G on the coding strand, the complement: SYNE1 is on the minus strand). VCF-style: chr6-152391576-A-C. GRCh37 (hg19) VCF-style: chr6-152712711-A-C.
Other names: c.7734-8T>G (NM_033071.5).
Identifiers: ClinVar variation 3571927 (VCV003571927.1).

ClinVar aggregate classification (germline): Uncertain significance (1 of 4 stars; one submission).

gnomAD v4.1: 2 of 1,569,110 alleles (0.00013%); highest among the groups gnomAD compares: Non-Finnish European, 0.00017%; no homozygotes.

Submission:

Athena Diagnostics
Classification: Uncertain significance. Last evaluated: 2024-02-02. Review status: criteria provided, single submitter. Criteria: Athena Diagnostics Criteria. Collection method: clinical testing. Allele origin: unknown.
Comment: Available data are insufficient to determine the clinical significance of the variant at this time. The frequency of this variant in the general population is uninformative in assessment of its pathogenicity. Computational tools yielded predictions that this variant is unlikely to have an effect on normal RNA splicing.